The following is an entry in ClinVar:

ClinVar aggregate classification (germline): Pathogenic (1 of 4 stars; one submission).

Conditions:
Joubert syndrome. Also called: CEREBELLOPARENCHYMAL DISORDER IV; JOUBERT-BOLTSHAUSER SYNDROME; Familial aplasia of the vermis. Identifiers: Orphanet 475, MedGen C5979921, MONDO:0018772.
Meckel-Gruber syndrome. Also called: DYSENCEPHALIA SPLANCHNOCYSTICA; GRUBER SYNDROME; Dysencephalia splachnocystica. Identifiers: Orphanet 564, MedGen C0265215, MONDO:0018921.

Allele frequency attached by ClinVar (database versions not stated): gnomAD exomes below 0.00001.

Submission:

Labcorp Genetics (formerly Invitae), Labcorp
Classification: Pathogenic for Joubert syndrome; Meckel-Gruber syndrome. Last evaluated: 2023-09-19. Review status: criteria provided, single submitter. Criteria: Invitae Variant Classification Sherloc (09022015). Collection method: clinical testing. Allele origin: germline.
Comment: For these reasons, this variant has been classified as Pathogenic. This variant disrupts a region of the MKS1 protein in which other variant(s) (p.Asp19Tyr) have been determined to be pathogenic (PMID: 26092869, 26490104). This suggests that this is a clinically significant region of the protein, and that variants that disrupt it are likely to be disease-causing. This variant has not been reported in the literature in individuals affected with MKS1-related conditions. This variant is present in population databases (no rsID available, gnomAD 0.004%). This sequence change affects the initiator methionine of the MKS1 mRNA. The next in-frame methionine is located at codon 144.

Literature cited by the submitters: PubMed 26092869; PubMed 26490104.

NM_017777.4(MKS1):c.2T>C (p.Met1Thr)

Genes: MKS1 (MKS transition zone complex subunit 1; minus strand), LOC130061271 (ATAC-STARR-seq lymphoblastoid active region 12461; plus strand). Cytogenetic location: 17q22.
Variant type: single nucleotide variant.
Coding change: c.2T>C on transcript NM_017777.4 (MANE Select); coding-DNA position 2, T replaced by C.
Protein change: p.Met1Thr; changes the start codon (methionine 1).
Molecular consequence: missense variant, initiator codon variant. On other transcripts: 5 prime UTR variant (1).
Genome position (GRCh38, 1-based): chr17:58,219,229, A>G on the plus strand (T>C on the coding strand, the complement: MKS1 is on the minus strand). VCF-style: chr17-58219229-A-G. GRCh37 (hg19) VCF-style: chr17-56296590-A-G.
Other names: c.-510T>C (NM_001321268.2); c.2T>C, p.Met1Thr (NM_001321269.2, NM_001330397.2, NM_001411113.1); short protein forms M1T.
Identifiers: ClinVar variation 2924446 (VCV002924446.3), dbSNP rs1364950881, ClinGen allele CA400328262.